The following is an entry in ClinVar:

ClinVar aggregate classification (germline): Uncertain significance (1 of 4 stars; one submission).

Submission:

Labcorp Genetics (formerly Invitae), Labcorp
Classification: Uncertain significance. Last evaluated: 2022-02-25. Review status: criteria provided, single submitter. Criteria: Invitae Variant Classification Sherloc (09022015). Collection method: clinical testing. Allele origin: germline.
Comment: In summary, the available evidence is currently insufficient to determine the role of this variant in disease. Therefore, it has been classified as a Variant of Uncertain Significance. Algorithms developed to predict the effect of missense changes on protein structure and function (SIFT, PolyPhen-2, Align-GVGD) all suggest that this variant is likely to be tolerated. This variant has not been reported in the literature in individuals affected with POLE-related conditions. This variant is not present in population databases (gnomAD no frequency). This sequence change replaces alanine, which is neutral and non-polar, with threonine, which is neutral and polar, at codon 1198 of the POLE protein (p.Ala1198Thr).

NM_006231.4(POLE):c.3592G>A (p.Ala1198Thr)

Gene: POLE (DNA polymerase epsilon, catalytic subunit; minus strand). Cytogenetic location: 12q24.33.
Variant type: single nucleotide variant.
Coding change: c.3592G>A on transcript NM_006231.4 (MANE Select); coding-DNA position 3592, G replaced by A.
Protein change: p.Ala1198Thr; replaces alanine 1198 with threonine.
Molecular consequence: missense variant.
Genome position (GRCh38, 1-based): chr12:132,649,880, C>T on the plus strand (G>A on the coding strand, the complement: POLE is on the minus strand). VCF-style: chr12-132649880-C-T. GRCh37 (hg19) VCF-style: chr12-133226466-C-T.
Other names: short protein forms A1198T.
Identifiers: ClinVar variation 1467702 (VCV001467702.8), dbSNP rs2042384480, ClinGen allele CA387387062.